The following is an entry in ClinVar:

ClinVar aggregate classification (germline): Uncertain significance (1 of 4 stars; one submission).

Conditions:
Inborn genetic diseases. Identifiers: MedGen C0950123, MeSH D030342.

Submission:

Ambry Genetics
Classification: Uncertain significance for Inborn genetic diseases. Last evaluated: 2026-04-25. Review status: criteria provided, single submitter. Criteria: Ambry Variant Classification Scheme 2023. Collection method: clinical testing. Allele origin: germline.
Comment: The p.E428D variant (also known as c.1284G>C), located in coding exon 8 of the MECOM gene, results from a G to C substitution at nucleotide position 1284. The glutamic acid at codon 428 is replaced by aspartic acid, an amino acid with highly similar properties. This amino acid position is conserved. In addition, this alteration is predicted to be tolerated by in silico analysis. Based on the available evidence, the clinical significance of this variant remains unclear.

NM_004991.4(MECOM):c.1284G>C (p.Glu428Asp)

Gene: MECOM (MDS1 and EVI1 complex locus; minus strand). Cytogenetic location: 3q26.2.
Variant type: single nucleotide variant.
Coding change: c.1284G>C on transcript NM_004991.4 (MANE Select); coding-DNA position 1284, G replaced by C.
Protein change: p.Glu428Asp; replaces glutamic acid 428 with aspartic acid.
Molecular consequence: missense variant. On other transcripts: intron variant (2).
Genome position (GRCh38, 1-based): chr3:169,116,588, C>G on the plus strand (G>C on the coding strand, the complement: MECOM is on the minus strand). VCF-style: chr3-169116588-C-G. GRCh37 (hg19) VCF-style: chr3-168834376-C-G.
Other names: c.915G>C, p.Glu305Asp (NM_001105077.4); c.720G>C, p.Glu240Asp (NM_001105078.4, NM_001164000.2, NM_001205194.2 and 4 more transcripts); c.723G>C, p.Glu241Asp (NM_001163999.2, NM_001366467.2, NM_001366468.2 and 1 more transcripts); c.1284G>C, p.Glu428Asp (NM_001366466.2); c.1133-821G>C (NM_001366473.2); c.569-821G>C (NM_001366474.2); short protein forms E240D, E241D, E305D, E428D.
Identifiers: ClinVar variation 4859756 (VCV004859756.1).
Genomic context (GRCh38, chr3:169,116,588, plus strand): 5'-GGTTCCAGGAAGTGAAATGCCTTGGCCAAAAAATCCACCTGCCGCAAAATGGTTCTTGCC[C>G]TCACAAAACCTCCTGTGTTTATTTAAGGAAGACGTAGTGCTGAACATTTGTCCACAGTCT-3'
Protein context (NP_004982.2, residues 418-438): SSLNKHRRFC[Glu428Asp]GKNHFAAGGF